The following is an entry in ClinVar:

NM_001373.1:c.11972A>G

Gene: DNAH14 (dynein axonemal heavy chain 14; plus strand).
Variant type: single nucleotide variant.
Identifiers: ClinVar variation 4540038 (VCV004540038.1).

ClinVar aggregate classification (germline): Uncertain significance (1 of 4 stars; one submission).

Submission:

GeneDx
Classification: Uncertain significance. Last evaluated: 2025-06-11. Review status: criteria provided, single submitter. Criteria: GeneDx Variant Classification Process June 2021. Collection method: clinical testing. Allele origin: germline. Affected: yes.
Comment: Not observed at significant frequency in large population cohorts (gnomAD); In silico analysis suggests that this missense variant does not alter protein structure/function; Has not been previously published as pathogenic or benign to our knowledge